The following is an entry in ClinVar:

ClinVar aggregate classification (germline): Uncertain significance (1 of 4 stars; one submission).

Conditions:
Joubert syndrome. Also called: CEREBELLOPARENCHYMAL DISORDER IV; JOUBERT-BOLTSHAUSER SYNDROME; Familial aplasia of the vermis. Identifiers: Orphanet 475, MedGen C5979921, MONDO:0018772.

Submission:

Labcorp Genetics (formerly Invitae), Labcorp
Classification: Uncertain significance for Joubert syndrome. Last evaluated: 2024-10-15. Review status: criteria provided, single submitter. Criteria: Invitae Variant Classification Sherloc (09022015). Collection method: clinical testing. Allele origin: germline.
Comment: This sequence change falls in intron 24 of the AHI1 gene. It does not directly change the encoded amino acid sequence of the AHI1 protein. This variant is not present in population databases (gnomAD no frequency). This variant has not been reported in the literature in individuals affected with AHI1-related conditions. ClinVar contains an entry for this variant (Variation ID: 1437297). Algorithms developed to predict the effect of sequence changes on RNA splicing suggest that this variant may disrupt the consensus splice site. In summary, the available evidence is currently insufficient to determine the role of this variant in disease. Therefore, it has been classified as a Variant of Uncertain Significance.

NM_001134831.2(AHI1):c.3329-6T>G

Gene: AHI1 (Abelson helper integration site 1; minus strand). Cytogenetic location: 6q23.3.
Variant type: single nucleotide variant.
Coding change: c.3329-6T>G on transcript NM_001134831.2 (MANE Select); 6 bases into the intron before coding-DNA position 3329, T replaced by G.
Molecular consequence: intron variant.
Genome position (GRCh38, 1-based): chr6:135,318,622, A>C on the plus strand (T>G on the coding strand, the complement: AHI1 is on the minus strand). VCF-style: chr6-135318622-A-C. GRCh37 (hg19) VCF-style: chr6-135639760-A-C.
Other names: c.3329-6T>G (NM_001134830.2, NM_001350503.2, NM_017651.5 and 1 more transcripts).
Identifiers: ClinVar variation 1437297 (VCV001437297.6), dbSNP rs2128376543, ClinGen allele CA2573140569.